The following is an entry in ClinVar:

NM_001048174.2(MUTYH):c.172C>T (p.Leu58=)

Gene: MUTYH (mutY DNA glycosylase; minus strand). Cytogenetic location: 1p34.1.
Variant type: single nucleotide variant.
Coding change: c.172C>T on transcript NM_001048174.2 (MANE Select); coding-DNA position 172, C replaced by T.
Protein change: p.Leu58=; no amino-acid change (leucine 58 retained).
Molecular consequence: synonymous variant. On other transcripts: 5 prime UTR variant (1), non-coding transcript variant (2), intron variant (3).
Genome position (GRCh38, 1-based): chr1:45,333,505, G>A on the plus strand (C>T on the coding strand, the complement: MUTYH is on the minus strand). VCF-style: chr1-45333505-G-A. GRCh37 (hg19) VCF-style: chr1-45799177-G-A.
Other names: c.172C>T, p.Leu58= (NM_001048171.2, NM_001048173.2, NM_001293195.2); c.175C>T, p.Leu59= (NM_001048172.2); c.256C>T, p.Leu86= (NM_001128425.2); c.217C>T, p.Leu73= (NM_001293190.2); c.205C>T, p.Leu69= (NM_001293191.2); c.-100C>T (NM_001350650.2); c.247C>T, p.Leu83= (NM_012222.3); c.-92-8C>T (NM_001350651.2); and 1 more.
Identifiers: ClinVar variation 682142 (VCV000682142.6), dbSNP rs781163298, ClinGen allele CA417702168.

ClinVar aggregate classification (germline): Likely benign. Review status: criteria provided, multiple submitters, no conflicts (2 of 4 stars). 3 submissions from 3 submitters: Likely benign (3). Last evaluated 2024-02-06.

Conditions:
Familial adenomatous polyposis 2. Also called: COLORECTAL ADENOMATOUS POLYPOSIS, AUTOSOMAL RECESSIVE; ADENOMAS, MULTIPLE COLORECTAL, AUTOSOMAL RECESSIVE; MYH-associated polyposis; MUTYH Polyposis; Adenomas, multiple colorectal; MUTYH-associated polyposis. Identifiers: Orphanet 220460, Orphanet 247798, MedGen C3272841, MONDO:0012041, OMIM 608456.

gnomAD v4.1: 2 of 1,614,216 alleles (0.00012%); highest among the groups gnomAD compares: Admixed American, 0.0017%; no homozygotes.

Submissions (3):

Labcorp Genetics (formerly Invitae), Labcorp
Classification: Likely benign for Familial adenomatous polyposis 2. Last evaluated: 2024-02-06. Review status: criteria provided, single submitter. Criteria: Invitae Variant Classification Sherloc (09022015). Collection method: clinical testing. Allele origin: germline.

All of Us Research Program, National Institutes of Health
Classification: Likely benign for Familial adenomatous polyposis 2. Last evaluated: 2023-11-20. Review status: criteria provided, single submitter. Criteria: ACMG Guidelines, 2015. Collection method: clinical testing. Allele origin: germline. Inheritance: Autosomal recessive inheritance. Observed: 1 variant allele, 1 heterozygote.
Comment: This study involves interpretation of variants in research participants for the purpose of population health screening. Participant phenotype was not available at the time of variant classification. Additional details can be found in publication PMID: 35346344, PMCID: PMC8962531

GeneDx
Classification: Likely benign. Last evaluated: 2018-04-11. Review status: criteria provided, single submitter. Criteria: GeneDx Variant Classification (06012015). Collection method: clinical testing. Allele origin: germline. Affected: yes.
Comment: This variant is considered likely benign or benign based on one or more of the following criteria: it is a conservative change, it occurs at a poorly conserved position in the protein, it is predicted to be benign by multiple in silico algorithms, and/or has population frequency not consistent with disease.